The following is an entry in ClinVar:

NM_001384140.1(PCDH15):c.1056A>G (p.Pro352=)

Gene: PCDH15 (protocadherin related 15; minus strand). Cytogenetic location: 10q21.1.
Variant type: single nucleotide variant.
Coding change: c.1056A>G on transcript NM_001384140.1 (MANE Select); coding-DNA position 1056, A replaced by G.
Protein change: p.Pro352=; no amino-acid change (proline 352 retained).
Molecular consequence: synonymous variant.
Genome position (GRCh38, 1-based): chr10:54,213,978, T>C on the plus strand (A>G on the coding strand, the complement: PCDH15 is on the minus strand). VCF-style: chr10-54213978-T-C. GRCh37 (hg19) VCF-style: chr10-55973738-T-C.
Other names: c.1071A>G, p.Pro357= (NM_001142769.4, NM_001142771.2, NM_001142763.2); c.1056A>G, p.Pro352= (NM_001142770.3, NM_001142772.2, NM_001354411.2 and 7 more transcripts); c.990A>G, p.Pro330= (NM_001142773.2, NM_001354404.2, NM_001142768.2); c.945A>G, p.Pro315= (NM_001142767.2); c.1056A>G (NM_033056.3).
Identifiers: ClinVar variation 2002716 (VCV002002716.5), dbSNP rs2051722951, ClinGen allele CA469495271.

ClinVar aggregate classification (germline): Likely benign. Review status: criteria provided, multiple submitters, no conflicts (2 of 4 stars). 2 submissions from 2 submitters: Likely benign (2). Last evaluated 2026-06-25.

Conditions:
PCDH15-related disorder. Also called: PCDH15-related condition; PCDH15-related disorders.

Allele frequency attached by ClinVar (database versions not stated): gnomAD exomes below 0.00001.
gnomAD v4.1: 1 of 1,611,398 alleles (0.000062%); highest among the groups gnomAD compares: African/African-American, 0.0013%; no homozygotes.

Submissions (2):

PreventionGenetics, part of Exact Sciences
Classification: Likely benign for PCDH15-related condition. Last evaluated: 2026-06-25. Review status: criteria provided, single submitter. Criteria: ACMG Guidelines, 2015. Collection method: clinical testing. Allele origin: germline.
Comment: This variant is classified as likely benign based on ACMG/AMP sequence variant interpretation guidelines (Richards et al. 2015 PMID: 25741868, with internal and published modifications).

Labcorp Genetics (formerly Invitae), Labcorp
Classification: Likely benign. Last evaluated: 2025-12-24. Review status: criteria provided, single submitter. Criteria: Invitae Variant Classification Sherloc (09022015). Collection method: clinical testing. Allele origin: germline.